The following is an entry in ClinVar:

NM_019842.4(KCNQ5):c.1864T>C (p.Cys622Arg)

Gene: KCNQ5 (potassium voltage-gated channel subfamily Q member 5; plus strand). Cytogenetic location: 6q13.
Variant type: single nucleotide variant.
Coding change: c.1864T>C on transcript NM_019842.4 (MANE Select); coding-DNA position 1864, T replaced by C.
Protein change: p.Cys622Arg; replaces cysteine 622 with arginine.
Molecular consequence: missense variant.
Genome position (GRCh38, 1-based): chr6:73,194,479, T>C. VCF-style: chr6-73194479-T-C. GRCh37 (hg19) VCF-style: chr6-73904202-T-C.
Other names: c.1837T>C, p.Cys613Arg (NM_001160130.2); c.1894T>C, p.Cys632Arg (NM_001160132.2); c.1921T>C, p.Cys641Arg (NM_001160133.2); c.1534T>C, p.Cys512Arg (NM_001160134.2); short protein forms C512R, C613R, C622R, C632R, C641R.
Identifiers: ClinVar variation 1697136 (VCV001697136.2), dbSNP rs376793772, ClinGen allele CA140917370.
Genomic context (GRCh38, chr6:73,194,479, plus strand): 5'-ATACTCATGTGTAACCATTTTCCTCACTTCTAGGTACAGTCCATAGAATCCAAGCTGGAC[T>C]GCCTACTAGACATCTATCAACAGGTCCTTCGGAAAGGCTCTGCCTCAGCCCTCGCTTTGG-3'
Protein context (NP_062816.2, residues 612-632): QVQSIESKLD[Cys622Arg]LLDIYQQVLR

ClinVar aggregate classification (germline): Uncertain significance (1 of 4 stars; one submission).

Allele frequency attached by ClinVar (database versions not stated): TOPMed below 0.00001; gnomAD 0.00001; ESP Exome Variant Server 0.00008.
gnomAD v4.1: 1 of 1,613,914 alleles (0.000062%); highest among the groups gnomAD compares: African/African-American, 0.0013%; no homozygotes.

Submission:

GeneDx
Classification: Uncertain significance. Last evaluated: 2022-01-18. Review status: criteria provided, single submitter. Criteria: GeneDx Variant Classification Process June 2021. Collection method: clinical testing. Allele origin: germline. Affected: yes.
Comment: Not observed at significant frequency in large population cohorts (gnomAD); In silico analysis supports that this missense variant has a deleterious effect on protein structure/function; Has not been previously published as pathogenic or benign to our knowledge